The following is an entry in ClinVar:

ClinVar aggregate classification (germline): Uncertain significance (1 of 4 stars; one submission).

Allele frequency attached by ClinVar (database versions not stated): gnomAD exomes 0.00001; TOPMed 0.00001; gnomAD 0.00003.
gnomAD v4.1: 13 of 1,614,044 alleles (0.00081%); highest among the groups gnomAD compares: African/African-American, 0.015%; no homozygotes.

Submission:

Labcorp Genetics (formerly Invitae), Labcorp
Classification: Uncertain significance. Last evaluated: 2022-03-23. Review status: criteria provided, single submitter. Criteria: Invitae Variant Classification Sherloc (09022015). Collection method: clinical testing. Allele origin: germline.
Comment: In summary, the available evidence is currently insufficient to determine the role of this variant in disease. Therefore, it has been classified as a Variant of Uncertain Significance. Algorithms developed to predict the effect of missense changes on protein structure and function (SIFT, PolyPhen-2, Align-GVGD) all suggest that this variant is likely to be disruptive. This variant has not been reported in the literature in individuals affected with FAT4-related conditions. This variant is present in population databases (rs373636090, gnomAD 0.02%). This sequence change replaces leucine, which is neutral and non-polar, with tryptophan, which is neutral and slightly polar, at codon 4934 of the FAT4 protein (p.Leu4934Trp).

NM_001291303.3(FAT4):c.14807T>G (p.Leu4936Trp)

Gene: FAT4 (FAT atypical cadherin 4; plus strand). Cytogenetic location: 4q28.1.
Variant type: single nucleotide variant.
Coding change: c.14807T>G on transcript NM_001291303.3 (MANE Select); coding-DNA position 14807, T replaced by G.
Protein change: p.Leu4936Trp; replaces leucine 4936 with tryptophan.
Molecular consequence: missense variant.
Genome position (GRCh38, 1-based): chr4:125,491,623, T>G. VCF-style: chr4-125491623-T-G. GRCh37 (hg19) VCF-style: chr4-126412778-T-G.
Other names: c.14804T>G, p.Leu4935Trp (NM_001291285.3); c.14801T>G, p.Leu4934Trp (NM_024582.6); short protein forms L4935W, L4936W, L4934W.
Identifiers: ClinVar variation 1922370 (VCV001922370.5), dbSNP rs373636090, ClinGen allele CA104876972.
Genomic context (GRCh38, chr4:125,491,623, plus strand): 5'-ACAACACACTGCCCATGAAGCTAGGGCAGCAAGCAGGGACTTTCAACTGGGACAACCTTT[T>G]GAACTGGGGCCCTGGCTTTGGCCATTATGTAGATGTTTTTAAAGATTTGGCATCTCTTCC-3'
Protein context (NP_001278232.1, residues 4926-4946): QAGTFNWDNL[Leu4936Trp]NWGPGFGHYV